The following is an entry in ClinVar:

ClinVar aggregate classification (germline): Uncertain significance. Review status: criteria provided, multiple submitters, no conflicts (2 of 4 stars). 2 submissions from 2 submitters: Uncertain significance (2). Last evaluated 2022-12-01.

Conditions:
Nephronophthisis 14 (NPHP14). Identifiers: Orphanet 2318, MedGen C3539071, MONDO:0013916, OMIM 614844.

Allele frequency attached by ClinVar (database versions not stated): ExAC 0.00001; gnomAD exomes 0.00001; TOPMed 0.00001.
gnomAD v4.1: 20 of 1,614,104 alleles (0.0012%); highest among the groups gnomAD compares: East Asian, 0.0022%; no homozygotes.

Submissions (2):

Ambry Genetics
Classification: Uncertain significance. Last evaluated: 2022-12-01. Review status: criteria provided, single submitter. Criteria: Ambry Variant Classification Scheme 2023. Collection method: clinical testing. Allele origin: germline.

Labcorp Genetics (formerly Invitae), Labcorp
Classification: Uncertain significance for Nephronophthisis 14. Last evaluated: 2022-08-19. Review status: criteria provided, single submitter. Criteria: Invitae Variant Classification Sherloc (09022015). Collection method: clinical testing. Allele origin: germline.
Comment: This sequence change replaces arginine, which is basic and polar, with histidine, which is basic and polar, at codon 380 of the ZNF423 protein (p.Arg380His). This variant is present in population databases (rs756448653, gnomAD 0.002%). This variant has not been reported in the literature in individuals affected with ZNF423-related conditions. ClinVar contains an entry for this variant (Variation ID: 1393537). Algorithms developed to predict the effect of missense changes on protein structure and function are either unavailable or do not agree on the potential impact of this missense change (SIFT: "Deleterious"; PolyPhen-2: "Probably Damaging"; Align-GVGD: "Class C0"). In summary, the available evidence is currently insufficient to determine the role of this variant in disease. Therefore, it has been classified as a Variant of Uncertain Significance.

NM_001379286.1(ZNF423):c.1163G>A (p.Arg388His)

Gene: ZNF423 (zinc finger protein 423; minus strand). Cytogenetic location: 16q12.1.
Variant type: single nucleotide variant.
Coding change: c.1163G>A on transcript NM_001379286.1 (MANE Select); coding-DNA position 1163, G replaced by A.
Protein change: p.Arg388His; replaces arginine 388 with histidine.
Molecular consequence: missense variant.
Genome position (GRCh38, 1-based): chr16:49,638,013, C>T on the plus strand (G>A on the coding strand, the complement: ZNF423 is on the minus strand). VCF-style: chr16-49638013-C-T. GRCh37 (hg19) VCF-style: chr16-49671924-C-T.
Other names: c.959G>A, p.Arg320His (NM_001271620.2); c.788G>A, p.Arg263His (NM_001330533.2); c.1139G>A, p.Arg380His (NM_015069.5); c.1139G>A (NM_015069.2); short protein forms R263H, R320H, R380H, R388H.
Identifiers: ClinVar variation 1393537 (VCV001393537.4), dbSNP rs756448653, ClinGen allele CA8046745.
Genomic context (GRCh38, chr16:49,638,013, plus strand): 5'-TCATCCCGCATCTTCTTCTGCCCCCGCAGCGGCTTCAAGGTGGAGTCCGGGGTGGAGCCA[C>T]GCTCCACAGAGGCGCTGGAGTCGGGTGTGGCGCTGCTCATGGAGGCCACGCTGCCCAGTA-3'
Protein context (NP_001366215.1, residues 378-398): ATPDSSASVE[Arg388His]GSTPDSTLKP